The following is an entry in ClinVar:

ClinVar aggregate classification (germline): Benign (1 of 4 stars; one submission).

Conditions:
Familial cancer of breast. Also called: hereditary breast carcinoma; Hereditary breast cancer; BREAST CANCER, FAMILIAL. Identifiers: Orphanet 227535, MedGen C0346153, MONDO:0016419, OMIM 114480. Disease mechanism: loss of function.

Submission:

Myriad Genetics, Inc.
Classification: Benign for Familial cancer of breast. Last evaluated: 2024-07-23. Review status: criteria provided, single submitter. Criteria: Myriad Autosomal Dominant, Autosomal Recessive and X-Linked Classification Criteria (2023). Collection method: clinical testing. Allele origin: unknown.
Comment: This variant is considered benign. This variant is a silent/synonymous amino acid change and it is not expected to impact splicing.

NM_000465.4(BARD1):c.795C>A (p.Ser265=)

Gene: BARD1 (BRCA1 associated RING domain 1; minus strand). Cytogenetic location: 2q35.
Variant type: single nucleotide variant.
Coding change: c.795C>A on transcript NM_000465.4 (MANE Select); coding-DNA position 795, C replaced by A.
Protein change: p.Ser265=; no amino-acid change (serine 265 retained).
Molecular consequence: synonymous variant. On other transcripts: non-coding transcript variant (2), intron variant (3).
Genome position (GRCh38, 1-based): chr2:214,781,079, G>T on the plus strand (C>A on the coding strand, the complement: BARD1 is on the minus strand). VCF-style: chr2-214781079-G-T. GRCh37 (hg19) VCF-style: chr2-215645803-G-T.
Other names: c.738C>A, p.Ser246= (NM_001282543.2); c.158+28333C>A (NM_001282548.2); c.215+15982C>A (NM_001282545.2); c.364+11218C>A (NM_001282549.2).
Identifiers: ClinVar variation 3378834 (VCV003378834.1).